The following is an entry in ClinVar:

ClinVar aggregate classification (germline): Pathogenic/Likely pathogenic. Review status: criteria provided, multiple submitters, no conflicts (2 of 4 stars). 6 submissions from 6 submitters: Pathogenic (2); Likely pathogenic (3). 1 of the submissions does not count toward it. Last evaluated 2025-09-17.

Conditions:
Autosomal recessive Alport syndrome (ATS2). Also called: ALPORT SYNDROME 2, AUTOSOMAL RECESSIVE; Alport syndrome type 2; COL4A3-Related Nephropathy; COL4A4 Alport Syndrome and Thin Basement Membrane Nephropathy. Identifiers: Orphanet 63, Orphanet 88919, MedGen C4746745, MONDO:0008762, OMIM 203780.
Hematuria, benign familial, 1 (BFH1). Also called: THIN MEMBRANE NEPHROPATHY. Identifiers: MedGen CN376803, MONDO:0007709, OMIM 141200.
Alport syndrome. Also called: Hemorrhagic familial nephritis; Hemorrhagic hereditary nephritis; Congenital hereditary hematuria. Identifiers: Orphanet 63, MedGen C1567741, MONDO:0018965.
COL4A4-related disorder.

Allele frequency attached by ClinVar (database versions not stated): gnomAD exomes below 0.00001; TOPMed below 0.00001.
gnomAD v4.1: 1 of 1,614,044 alleles (0.000062%); highest among the groups gnomAD compares: East Asian, 0.0022%; no homozygotes.

Submissions (6):

Natera, Inc.
Classification: Likely pathogenic for Alport syndrome. Last evaluated: 2025-09-17. Review status: criteria provided, single submitter. Criteria: Natera Variant Classification Schema (03/2026). Collection method: clinical testing. Allele origin: germline.
Comment: The c.1715G>C variant in COL4A4 is a missense variant predicted to cause substitution of glycine to alanine at amino acid 572. This variant is rare in the general population with a frequency below the threshold expected for the associated phenotype(s). This variant has been observed in one or more individuals affected with the associated recessive disease, as either homozygous or compound heterozygous with a second variant (PMID: 28542346). This variant has been observed in affected individual(s) with monoallelic occurrence (heterozygous/hemizygous) (PMID: 37248651, 37217505). This variant is located in a functionally critical region of the protein. Computational prediction algorithms indicate this variant is likely to affect gene or protein function. Given the available evidence, this variant is classified as Likely Pathogenic.

Victorian Clinical Genetics Services, Murdoch Childrens Research Institute
Classification: Pathogenic for Alport syndrome. Last evaluated: 2025-03-20. Review status: criteria provided, single submitter. Criteria: ACMG Guidelines, 2015. Collection method: clinical testing. Allele origin: germline. Affected: yes.
Comment: This variant is classified as Pathogenic. Evidence in support of pathogenic classification: Variant is present in gnomAD (v2) <0.01 (1 heterozygote, 0 homozygotes); This variant has strong previous evidence of pathogenicity in unrelated individuals. This variant has been classified as likely pathogenic by two clinical diagnostic laboratories (ClinVar). Variant is located in the well-established functional glycine position within a G-X-Y repeat in the collagenous domain (DECIPHER, PMID: 3385421); Missense variant consistently predicted to be damaging by multiple in silico tools or highly conserved with a major amino acid change. Additional information: Variant is predicted to result in a missense amino acid change from glycine to alanine; This variant is heterozygous; This gene is associated with both recessive and dominant disease. Alport syndrome typically has biallelic inheritance, although rare cases of monoallelic inheritance have been reported (PMID: 28704582). Thin basement membrane nephropathy (TBMN) and focal segmental glomerulosclerosis (FSGS) are associated with autosomal dominant inheritance (OMIM, PMIDs: 16467446, 17942953); No published segregation evidence has been identified for this variant; No published functional evidence has been identified for this variant; No comparable missense variants have previous evidence for pathogenicity; Loss of function is a known mechanism of disease for this gene and is associated with Alport syndrome (MONDO:0018965). Dominant negative is a suspected mechanism of disease for this gene as it is a structural protein (PMIDs: 12028435, 24046192); Inheritance information for this variant is not currently available in this individual.

Labcorp Genetics (formerly Invitae), Labcorp
Classification: Pathogenic. Last evaluated: 2024-02-08. Review status: criteria provided, single submitter. Criteria: Invitae Variant Classification Sherloc (09022015). Collection method: clinical testing. Allele origin: germline.
Comment: This sequence change replaces glycine, which is neutral and non-polar, with alanine, which is neutral and non-polar, at codon 572 of the COL4A4 protein (p.Gly572Ala). This variant is present in population databases (no rsID available, gnomAD 0.006%). This missense change has been observed in individuals with COL4A4-related conditions (PMID: 28542346, 36699462). ClinVar contains an entry for this variant (Variation ID: 556844). Advanced modeling of protein sequence and biophysical properties (such as structural, functional, and spatial information, amino acid conservation, physicochemical variation, residue mobility, and thermodynamic stability) performed at Invitae indicates that this missense variant is expected to disrupt COL4A4 protein function with a positive predictive value of 95%. For these reasons, this variant has been classified as Pathogenic.

Blueprint Genetics
Classification: Likely pathogenic for COL4A4-related disorders. Last evaluated: 2022-09-26. Review status: criteria provided, single submitter. Criteria: ACMG Guidelines, 2015. Collection method: clinical testing. Allele origin: germline. Affected: yes. Observed: 2 variant alleles.

Juno Genomics, Hangzhou Juno Genomics, Inc
Classification: Likely pathogenic for Autosomal recessive Alport syndrome; Hematuria, benign familial, 1. Review status: criteria provided, single submitter. Criteria: ACMG Guidelines, 2015. Collection method: clinical testing. Allele origin: germline.
Comment: Absent from controls (or at extremely low frequency if recessive) in Genome Aggregation Database.;Multiple lines of computational evidence support a deleterious effect on the gene or gene product.;For recessive disorders, detected in trans with a pathogenic variant.;Patient's phenotype or family history is highly specific for a disease with a single genetic etiology.

Counsyl
Classification: Likely pathogenic for Autosomal recessive Alport syndrome. Last evaluated: 2018-02-21. Review status: no assertion criteria provided. Collection method: clinical testing. Allele origin: unknown. Not counted in ClinVar's aggregate classification.

Literature cited by the submitters: PubMed 28542346 (cited by 4 submitters); PubMed 37248651 (cited by Natera, Inc.); PubMed 37217505 (cited by Natera, Inc.); PubMed 36699462 (cited by Victorian Clinical Genetics Services, Murdoch Childrens Research Institute and Labcorp Genetics (formerly Invitae), Labcorp); PubMed 24046192 (cited by Victorian Clinical Genetics Services, Murdoch Childrens Research Institute); PubMed 16467446 (cited by Victorian Clinical Genetics Services, Murdoch Childrens Research Institute); PubMed 12028435 (cited by Victorian Clinical Genetics Services, Murdoch Childrens Research Institute); PubMed 28704582 (cited by Victorian Clinical Genetics Services, Murdoch Childrens Research Institute); PubMed 3385421 (cited by Victorian Clinical Genetics Services, Murdoch Childrens Research Institute); PubMed 17942953 (cited by Victorian Clinical Genetics Services, Murdoch Childrens Research Institute).

NM_000092.5(COL4A4):c.1715G>C (p.Gly572Ala)

Gene: COL4A4 (collagen type IV alpha 4 chain; minus strand). Cytogenetic location: 2q36.3.
Variant type: single nucleotide variant.
Coding change: c.1715G>C on transcript NM_000092.5 (MANE Select); coding-DNA position 1715, G replaced by C.
Protein change: p.Gly572Ala; replaces glycine 572 with alanine.
Molecular consequence: missense variant.
Genome position (GRCh38, 1-based): chr2:227,080,531, C>G on the plus strand (G>C on the coding strand, the complement: COL4A4 is on the minus strand). VCF-style: chr2-227080531-C-G. GRCh37 (hg19) VCF-style: chr2-227945247-C-G.
Other names: short protein forms G572A.
Identifiers: ClinVar variation 556844 (VCV000556844.14), dbSNP rs1446915781, ClinGen allele CA350847301.